The following is an entry in ClinVar:

NM_004336.5(BUB1):c.2185G>C (p.Gly729Arg)

Gene: BUB1 (BUB1 mitotic checkpoint serine/threonine kinase; minus strand). Cytogenetic location: 2q13.
Variant type: single nucleotide variant.
Coding change: c.2185G>C on transcript NM_004336.5 (MANE Select); coding-DNA position 2185, G replaced by C.
Protein change: p.Gly729Arg; replaces glycine 729 with arginine.
Molecular consequence: missense variant.
Genome position (GRCh38, 1-based): chr2:110,650,564, C>G on the plus strand (G>C on the coding strand, the complement: BUB1 is on the minus strand). VCF-style: chr2-110650564-C-G. GRCh37 (hg19) VCF-style: chr2-111408141-C-G.
Other names: c.2125G>C, p.Gly709Arg (NM_001278616.2); c.2185G>C, p.Gly729Arg (NM_001278617.2); short protein forms G709R, G729R.
Identifiers: ClinVar variation 2565795 (VCV002565795.2), dbSNP rs760577088, ClinGen allele CA348209714.

ClinVar aggregate classification (germline): Uncertain significance (1 of 4 stars; one submission).

Submission:

Ambry Genetics
Classification: Uncertain significance. Last evaluated: 2023-04-25. Review status: criteria provided, single submitter. Criteria: Ambry Variant Classification Scheme 2023. Collection method: clinical testing. Allele origin: germline.
Comment: The p.G729R variant (also known as c.2185G>C), located in coding exon 18 of the BUB1 gene, results from a G to C substitution at nucleotide position 2185. The glycine at codon 729 is replaced by arginine, an amino acid with dissimilar properties. This amino acid position is conserved. In addition, this alteration is predicted to be tolerated by in silico analysis. Since supporting evidence is limited at this time, the clinical significance of this alteration remains unclear.